The following is an entry in ClinVar:

NM_001401501.2(MUC16):c.11982A>T (p.Thr3994=)

Gene: MUC16 (mucin 16, cell surface associated; minus strand). Cytogenetic location: 19p13.2.
Variant type: single nucleotide variant.
Coding change: c.11982A>T on transcript NM_001401501.2 (MANE Select); coding-DNA position 11982, A replaced by T.
Protein change: p.Thr3994=; no amino-acid change (threonine 3994 retained).
Molecular consequence: synonymous variant.
Genome position (GRCh38, 1-based): chr19:8,964,908, T>A on the plus strand (A>T on the coding strand, the complement: MUC16 is on the minus strand). VCF-style: chr19-8964908-T-A. GRCh37 (hg19) VCF-style: chr19-9075584-T-A.
Other names: c.12408A>T, p.Thr4136= (NM_001414686.1); c.11862A>T, p.Thr3954= (NM_001414687.1, NM_024690.2).
Identifiers: ClinVar variation 3060940 (VCV003060940.2), dbSNP rs2547069, ClinGen allele CA9171159.

ClinVar aggregate classification (germline): Benign (0 of 4 stars; one submission).

Conditions:
MUC16-related disorder. Also called: MUC16-related condition.

Allele frequency attached by ClinVar (database versions not stated): 1000 Genomes Project 30x 0.20940; 1000 Genomes Project 0.21046; TOPMed 0.22320; gnomAD 0.22527; ESP Exome Variant Server 0.22741; ExAC 0.25339; gnomAD exomes 0.28921.

Submission:

PreventionGenetics, part of Exact Sciences
Classification: Benign for MUC16-related condition. Last evaluated: 2019-10-22. Review status: no assertion criteria provided. Collection method: clinical testing. Allele origin: germline.
Comment: This variant is classified as benign based on ACMG/AMP sequence variant interpretation guidelines (Richards et al. 2015 PMID: 25741868, with internal and published modifications).